The following is an entry in ClinVar:

NM_000548.5(TSC2):c.5068G>C (p.Asp1690His)

Gene: TSC2 (TSC complex subunit 2; plus strand). Cytogenetic location: 16p13.3.
Variant type: single nucleotide variant.
Coding change: c.5068G>C on transcript NM_000548.5 (MANE Select); coding-DNA position 5068, G replaced by C.
Protein change: p.Asp1690His; replaces aspartic acid 1690 with histidine.
Molecular consequence: missense variant.
Genome position (GRCh38, 1-based): chr16:2,087,941, G>C. VCF-style: chr16-2087941-G-C. GRCh37 (hg19) VCF-style: chr16-2137942-G-C.
Other names: c.4867G>C, p.Asp1623His (NM_001077183.3); c.4999G>C, p.Asp1667His (NM_001114382.3); c.4759G>C, p.Asp1587His (NM_001318827.2); c.4723G>C, p.Asp1575His (NM_001318829.2); c.4336G>C, p.Asp1446His (NM_001318831.2); c.4900G>C, p.Asp1634His (NM_001318832.2); c.4870G>C, p.Asp1624His (NM_001363528.2); c.4936G>C, p.Asp1646His (NM_001370404.1); and 1 more; short protein forms D1690H, D1446H, D1623H, D1634H, D1575H, D1587H, D1647H, D1646H.
Identifiers: ClinVar variation 49443 (VCV000049443.5), dbSNP rs137854882, ClinGen allele CA021629.

ClinVar aggregate classification (germline): Pathogenic. Review status: criteria provided, single submitter (1 of 4 stars). 2 submissions from 2 submitters: Pathogenic (1). 1 of the submissions does not count toward it. Last evaluated 2023-08-02.

Conditions:
Tuberous sclerosis syndrome (TSC). Also called: Tuberous Sclerosis Complex; Tuberous sclerosis. Identifiers: Orphanet 805, MedGen C0041341, MONDO:0001734.
Tuberous sclerosis 2 (TSC2). Identifiers: Orphanet 805, MedGen C1860707, MONDO:0013199, OMIM 613254.

Submissions (2):

Labcorp Genetics (formerly Invitae), Labcorp
Classification: Pathogenic for Tuberous sclerosis 2. Last evaluated: 2023-08-02. Review status: criteria provided, single submitter. Criteria: Invitae Variant Classification Sherloc (09022015). Collection method: clinical testing. Allele origin: germline.
Comment: This sequence change replaces aspartic acid, which is acidic and polar, with histidine, which is basic and polar, at codon 1690 of the TSC2 protein (p.Asp1690His). This variant also falls at the last nucleotide of exon 39, which is part of the consensus splice site for this exon. This variant is not present in population databases (gnomAD no frequency). This missense change has been observed in individual(s) with clinical features of tuberous sclerosis complex (Invitae). In at least one individual the variant was observed to be de novo. ClinVar contains an entry for this variant (Variation ID: 49443). An algorithm developed to predict the effect of missense changes on protein structure and function (PolyPhen-2) suggests that this variant is likely to be disruptive. Variants that disrupt the consensus splice site are a relatively common cause of aberrant splicing (PMID: 17576681, 9536098). Algorithms developed to predict the effect of sequence changes on RNA splicing suggest that this variant may disrupt the consensus splice site. This variant disrupts the c.5068G nucleotide in the TSC2 gene. Other variant(s) that disrupt this nucleotide have been determined to be pathogenic (PMID: 9829910, 21520333; Invitae). This suggests that this nucleotide is clinically significant, and that variants that disrupt this position are likely to be disease-causing. For these reasons, this variant has been classified as Pathogenic.

Tuberous sclerosis database (TSC2)
No classification provided. Condition: TSC. Review status: no classification provided. Criteria: Tuberous Sclerosis Database Assertion Criteria 2015. Collection method: curation. Allele origin: germline. Affected: yes. Not counted in ClinVar's aggregate classification.

Literature cited by the submitters: PubMed 17576681 (cited by Labcorp Genetics (formerly Invitae), Labcorp); PubMed 9536098 (cited by Labcorp Genetics (formerly Invitae), Labcorp); PubMed 9829910 (cited by Labcorp Genetics (formerly Invitae), Labcorp); PubMed 21520333 (cited by Labcorp Genetics (formerly Invitae), Labcorp).